The following is an entry in ClinVar:

NM_000051.4(ATM):c.1899-2A>C

Gene: ATM (ATM serine/threonine kinase; plus strand). Cytogenetic location: 11q22.3.
Variant type: single nucleotide variant.
Coding change: c.1899-2A>C on transcript NM_000051.4 (MANE Select); the canonical splice acceptor site of the intron before coding-DNA position 1899, A replaced by C.
Molecular consequence: splice acceptor variant.
Genome position (GRCh38, 1-based): chr11:108,253,812, A>C. VCF-style: chr11-108253812-A-C. GRCh37 (hg19) VCF-style: chr11-108124539-A-C.
Other names: c.1899-2A>C (NM_000051.3, NM_001351834.2).
Identifiers: ClinVar variation 1801553 (VCV001801553.19), dbSNP rs2135365481, ClinGen allele CA382536242.
Genomic context (GRCh38, chr11:108,253,812, plus strand): 5'-ATACATATAAGGCAAAGCATTAGGTACTTGGTTTATATATTAAAGATCTTACTTTCTTGA[A>C]GTGAACACCACCAAAAAGATAAAGAAGAACTTTCATTCTCAGAAGTAGAAGAACTATTTC-3'

ClinVar aggregate classification (germline): Pathogenic/Likely pathogenic. Review status: criteria provided, multiple submitters, no conflicts (2 of 4 stars). 6 submissions from 6 submitters: Pathogenic (3); Likely pathogenic (2). 1 of the submissions does not count toward it. Last evaluated 2026-02-10.

Conditions:
Hereditary cancer-predisposing syndrome. Also called: Neoplastic Syndromes, Hereditary; Tumor predisposition; Hereditary Cancer Syndrome; Hereditary neoplastic syndrome. Identifiers: Orphanet 140162, MedGen C0027672, MeSH D009386, MONDO:0015356.
Ataxia-telangiectasia syndrome (AT). Also called: LOUIS-BAR SYNDROME; Cerebello-oculocutaneous telangiectasia; Immunodeficiency with ataxia telangiectasia; Ataxia-telangiectasia, complementation group D; AT, COMPLEMENTATION GROUP C; ATAXIA-TELANGIECTASIA, COMPLEMENTATION GROUP A. Identifiers: Orphanet 100, MedGen C0004135, MONDO:0008840, OMIM 208900.
ATM-related disorder. Also called: ATM-related disorders; ATM-related condition.
Gastric cancer. Also called: Malignant tumor of stomach; Stomach cancer. Identifiers: MedGen C0024623, MeSH D013274, MONDO:0001056, OMIM 613659, HP:0012126.
Familial cancer of breast. Also called: BREAST CANCER, FAMILIAL; Hereditary breast cancer; hereditary breast carcinoma. Identifiers: Orphanet 227535, MedGen C0346153, MONDO:0016419, OMIM 114480. Disease mechanism: loss of function.

Submissions (6):

Catlab - Consorci Sanitari de Terrassa
Classification: Pathogenic for Hereditary cancer-predisposing syndrome. Last evaluated: 2026-02-10. Review status: criteria provided, single submitter. Criteria: Submitter's publication. Collection method: clinical testing. Allele origin: germline.
Comment: Based on the currently available information, this variant is classified as Pathogenic according to ClinGen-ATM v1.5 guidelines. ACMG criteria: PVS1(RNA), PM2_supp, PM3_strong, PM5_supp.

Blueprint Genetics
Classification: Likely pathogenic for ATM-related disorders. Last evaluated: 2024-11-15. Review status: criteria provided, single submitter. Criteria: ACMG Guidelines, 2015. Collection method: clinical testing. Allele origin: germline. Affected: yes. Observed: 1 variant allele.

Labcorp Genetics (formerly Invitae), Labcorp
Classification: Pathogenic for Ataxia-telangiectasia syndrome. Last evaluated: 2024-03-06. Review status: criteria provided, single submitter. Criteria: Invitae Variant Classification Sherloc (09022015). Collection method: clinical testing. Allele origin: germline.
Comment: This sequence change affects an acceptor splice site in intron 12 of the ATM gene. RNA analysis indicates that disruption of this splice site induces altered splicing and may result in an absent or disrupted protein product. This variant is not present in population databases (gnomAD no frequency). Disruption of this splice site has been observed in individual(s) with ataxia-telangiectasia (PMID: 11298136). In at least one individual the data is consistent with being in trans (on the opposite chromosome) from a pathogenic variant. This variant is also known as IVS15-2A>C. ClinVar contains an entry for this variant (Variation ID: 1801553). Studies have shown that disruption of this splice site results in activation of cryptic splice site and introduces a premature termination codon (PMID: 11298136). The resulting mRNA is expected to undergo nonsense-mediated decay. For these reasons, this variant has been classified as Pathogenic.

Myriad Genetics, Inc.
Classification: Likely pathogenic for Familial cancer of breast. Last evaluated: 2024-01-16. Review status: criteria provided, single submitter. Criteria: Myriad Autosomal Dominant, Autosomal Recessive and X-Linked Classification Criteria (2023). Collection method: clinical testing. Allele origin: unknown.
Comment: This variant is considered likely pathogenic. This variant occurs within a consensus splice junction and is predicted to result in abnormal mRNA splicing of either an out-of-frame exon or an in-frame exon necessary for protein stability and/or normal function.

Ambry Genetics
Classification: Pathogenic for Hereditary cancer-predisposing syndrome. Last evaluated: 2023-06-12. Review status: criteria provided, single submitter. Criteria: Ambry Variant Classification Scheme 2023. Collection method: clinical testing. Allele origin: germline.
Comment: The c.1899-2A>C intronic pathogenic mutation results from an A to C substitution two nucleotides upstream from coding exon 12 in the ATM gene. This alteration, described as IVS15-2A>C, was reported in conjunction with another pathogenic alteration in ATM (IVS21+1G>CA) in a patient with a clinical diagnosis of ataxia telangiectasia (Garc&iacute;a-P&eacute;rez MA et al. Clin Exp Immunol. 2001 Mar;123:472-80). This variant is considered to be rare based on population cohorts in the Genome Aggregation Database (gnomAD). This nucleotide position is highly conserved in available vertebrate species. In silico splice site analysis predicts that this alteration will weaken the native splice acceptor site and will result in the creation or strengthening of a novel splice acceptor site; however, direct evidence is insufficient at this time (Ambry internal data). Alterations that disrupt the canonical splice site are expected to cause aberrant splicing, resulting in an abnormal protein or a transcript that is subject to nonsense-mediated mRNA decay. As such, this alteration is classified as a disease-causing mutation.

Laboratory for Genotyping Development, RIKEN
Classification: Pathogenic for Gastric cancer. Last evaluated: 2021-07-01. Review status: no assertion criteria provided. Collection method: research. Allele origin: germline. Not counted in ClinVar's aggregate classification.

Literature cited by the submitters: PubMed 11298136 (cited by Labcorp Genetics (formerly Invitae), Labcorp and Ambry Genetics); PubMed 36988593 (cited by Laboratory for Genotyping Development, RIKEN).